The following is an entry in ClinVar:

ClinVar aggregate classification (germline): Likely benign. Review status: criteria provided, multiple submitters, no conflicts (2 of 4 stars). 3 submissions from 3 submitters: Likely benign (3). Last evaluated 2025-08-13.

Conditions:
Neuronal ceroid lipofuscinosis. Also called: Neuronal Ceroid Lipofuscinoses. Identifiers: Orphanet 216, Orphanet 79263, MedGen C0027877, MONDO:0016295. Disease mechanism: loss of function.

Allele frequency attached by ClinVar (database versions not stated): gnomAD 0.00002 and 0.00003; gnomAD exomes 0.00002 and 0.00003; ExAC 0.00004; TOPMed 0.00005; ESP Exome Variant Server 0.00008.
gnomAD v4.1: 31 of 1,613,424 alleles (0.0019%); highest among the groups gnomAD compares: Admixed American, 0.0033%; no homozygotes.

Submissions (3):

Labcorp Genetics (formerly Invitae), Labcorp
Classification: Likely benign for Neuronal ceroid lipofuscinosis. Last evaluated: 2025-08-13. Review status: criteria provided, single submitter. Criteria: Invitae Variant Classification Sherloc (09022015). Collection method: clinical testing. Allele origin: germline.

Blueprint Genetics
Classification: Likely benign. Last evaluated: 2024-08-06. Review status: criteria provided, single submitter. Criteria: ACMG Guidelines, 2015. Collection method: clinical testing. Allele origin: germline.

GeneDx
Classification: Likely benign. Last evaluated: 2017-10-26. Review status: criteria provided, single submitter. Criteria: GeneDx Variant Classification (06012015). Collection method: clinical testing. Allele origin: germline. Affected: yes.
Comment: This variant is considered likely benign or benign based on one or more of the following criteria: it is a conservative change, it occurs at a poorly conserved position in the protein, it is predicted to be benign by multiple in silico algorithms, and/or has population frequency not consistent with disease.

NM_001042432.2(CLN3):c.180C>T (p.His60=)

Gene: CLN3 (CLN3 lysosomal/endosomal transmembrane protein, battenin; minus strand). Cytogenetic location: 16p12.1.
Variant type: single nucleotide variant.
Coding change: c.180C>T on transcript NM_001042432.2 (MANE Select); coding-DNA position 180, C replaced by T.
Protein change: p.His60=; no amino-acid change (histidine 60 retained).
Molecular consequence: synonymous variant. On other transcripts: 5 prime UTR variant (1).
Genome position (GRCh38, 1-based): chr16:28,489,332, G>A on the plus strand (C>T on the coding strand, the complement: CLN3 is on the minus strand). VCF-style: chr16-28489332-G-A. GRCh37 (hg19) VCF-style: chr16-28500653-G-A.
Other names: c.180C>T, p.His60= (NM_000086.2, NM_001286104.2); c.-41C>T (NM_001286105.2); c.18C>T, p.His6= (NM_001286109.2, NM_001286110.2).
Identifiers: ClinVar variation 377684 (VCV000377684.10), dbSNP rs150120797, ClinGen allele CA7981033.
Genomic context (GRCh38, chr16:28,489,332, plus strand): 5'-TGGTAGAGAGTCACTTACATGGCTCTGGTTTCCCGATGTCCTCTTGTGGCTAAGGATGTC[G>A]TGGGCGGCACTCAGCATCACCACATAAGAGAAGTTGTTGCAAAGGCCCAGCAGCCTGGAA-3'
Protein context (NP_001035897.1, residues 50-70): FSYVVMLSAA[His60=]DILSHKRTSG